The following is an entry in ClinVar:

ClinVar aggregate classification (germline): Benign/Likely benign. Review status: criteria provided, multiple submitters, no conflicts (2 of 4 stars). 10 submissions from 10 submitters: Benign (1); Likely benign (5). 4 of the submissions do not count toward it. Last evaluated 2026-07-01.

Conditions:
MAGEL2-related disorder. Also called: MAGEL2-related condition.

Allele frequency attached by ClinVar (database versions not stated): ESP Exome Variant Server 0.00081; TOPMed 0.00097; gnomAD exomes 0.00113 and 0.00074; 1000 Genomes Project 0.00140; 1000 Genomes Project 30x 0.00141; ExAC 0.00063; gnomAD 0.00072 and 0.00075.

Submissions (10):

CeGaT Center for Human Genetics Tuebingen
Classification: Likely benign. Last evaluated: 2026-07-01. Review status: criteria provided, single submitter. Criteria: CeGaT Center For Human Genetics Tuebingen Variant Classification Criteria Version 2. Collection method: clinical testing. Allele origin: germline. Affected: yes. Observed: 6 variant alleles.
Comment: MAGEL2: BP4, BS1

Labcorp Genetics (formerly Invitae), Labcorp
Classification: Likely benign. Last evaluated: 2026-01-26. Review status: criteria provided, single submitter. Criteria: Invitae Variant Classification Sherloc (09022015). Collection method: clinical testing. Allele origin: germline.

Blueprint Genetics
Classification: Likely benign. Last evaluated: 2024-10-24. Review status: criteria provided, single submitter. Criteria: ACMG Guidelines, 2015. Collection method: clinical testing. Allele origin: germline.

Genetic Services Laboratory, University of Chicago
Classification: Benign. Last evaluated: 2017-11-22. Review status: criteria provided, single submitter. Criteria: ACMG Guidelines, 2015. Collection method: clinical testing. Allele origin: germline. Affected: no.

Center for Pediatric Genomic Medicine, Children's Mercy Hospital and Clinics
Classification: Likely benign. Last evaluated: 2017-06-19. Review status: criteria provided, single submitter. Criteria: ACMG Guidelines, 2015. Collection method: clinical testing. Allele origin: germline.

Breakthrough Genomics
Classification: Likely benign. Review status: criteria provided, single submitter. Criteria: ACMG Guidelines, 2015. Collection method: not provided. Allele origin: germline. Inheritance: Autosomal dominant inheritance. Affected: yes.

PreventionGenetics, part of Exact Sciences
Classification: Likely benign for MAGEL2-related condition. Last evaluated: 2024-09-05. Review status: no assertion criteria provided. Collection method: clinical testing. Allele origin: germline. Not counted in ClinVar's aggregate classification.
Comment: This variant is classified as likely benign based on ACMG/AMP sequence variant interpretation guidelines (Richards et al. 2015 PMID: 25741868, with internal and published modifications).

Clinical Genetics DNA and cytogenetics Diagnostics Lab, Erasmus MC, Erasmus Medical Center
Classification: Likely benign. Review status: no assertion criteria provided. Collection method: clinical testing. Allele origin: germline. Affected: yes. Study: VKGL Data-share Consensus. Not counted in ClinVar's aggregate classification.

Clinical Genetics, Academic Medical Center
Classification: Likely benign. Review status: no assertion criteria provided. Collection method: clinical testing. Allele origin: germline. Affected: yes. Study: VKGL Data-share Consensus. Not counted in ClinVar's aggregate classification.

Genome Diagnostics Laboratory, University Medical Center Utrecht
Classification: Likely benign. Review status: no assertion criteria provided. Collection method: clinical testing. Allele origin: germline. Affected: yes. Study: VKGL Data-share Consensus. Not counted in ClinVar's aggregate classification.

NM_019066.5(MAGEL2):c.2290G>A (p.Ala764Thr)

Gene: MAGEL2 (MAGE family member L2; minus strand). Cytogenetic location: 15q11.2.
Variant type: single nucleotide variant.
Coding change: c.2290G>A on transcript NM_019066.5 (MANE Select); coding-DNA position 2290, G replaced by A.
Protein change: p.Ala764Thr; replaces alanine 764 with threonine.
Molecular consequence: missense variant.
Genome position (GRCh38, 1-based): chr15:23,645,453, C>T on the plus strand (G>A on the coding strand, the complement: MAGEL2 is on the minus strand). VCF-style: chr15-23645453-C-T. GRCh37 (hg19) VCF-style: chr15-23890600-C-T.
Other names: short protein forms A764T.
Identifiers: ClinVar variation 445637 (VCV000445637.43), dbSNP rs201984254, ClinGen allele CA7429922.